The following is an entry in ClinVar:

NM_005045.4(RELN):c.984G>A (p.Trp328Ter)

Gene: RELN (reelin; minus strand). Cytogenetic location: 7q22.1.
Variant type: single nucleotide variant.
Coding change: c.984G>A on transcript NM_005045.4 (MANE Select); coding-DNA position 984, G replaced by A.
Protein change: p.Trp328Ter; replaces tryptophan 328 with a stop codon.
Molecular consequence: nonsense.
Genome position (GRCh38, 1-based): chr7:103,698,012, C>T on the plus strand (G>A on the coding strand, the complement: RELN is on the minus strand). VCF-style: chr7-103698012-C-T. GRCh37 (hg19) VCF-style: chr7-103338459-C-T.
Other names: c.984G>A, p.Trp328Ter (NM_173054.3); short protein forms W328*.
Identifiers: ClinVar variation 620366 (VCV000620366.2), dbSNP rs1562961475, ClinGen allele CA368927744.

ClinVar aggregate classification (germline): Pathogenic (1 of 4 stars; one submission).

Submission:

GeneDx
Classification: Pathogenic. Last evaluated: 2020-01-14. Review status: criteria provided, single submitter. Criteria: GeneDx Variant Classification Process June 2021. Collection method: clinical testing. Allele origin: germline. Affected: yes.
Comment: Nonsense variant predicted to result in protein truncation or nonsense mediated decay in a gene for which loss-of-function is a known mechanism of disease; Not observed in large population cohorts (Lek et al., 2016); Has not been previously published as pathogenic or benign to our knowledge